The following is an entry in ClinVar:

NM_007294.4(BRCA1):c.2694del (p.Val899fs)

Gene: BRCA1 (BRCA1 DNA repair associated; minus strand). Cytogenetic location: 17q21.31.
Variant type: Deletion.
Coding change: c.2694del on transcript NM_007294.4 (MANE Select); coding-DNA position 2694, one base deleted (A; older notation c.2694delA).
Protein change: p.Val899fs; shifts the reading frame from valine 899.
Molecular consequence: frameshift variant. On other transcripts: intron variant (137).
Genome position (GRCh38, 1-based): chr17:43,092,837, T deleted on the plus strand (A on the coding strand, the reverse complement: BRCA1 is on the minus strand); the first of 4 consecutive T bases (chr17:43,092,837-43,092,840); deleting any one gives the same sequence. VCF-style (leftmost placement, unchanged base first): chr17-43092836-CT-C. GRCh37 (hg19) VCF-style: chr17-41244853-CT-C.
Other names: 2813delA; c.2694delA (NM_007294.3); c.2481del, p.Val828fs (NM_001407571.1, NM_001407853.1, NM_001407894.1 and 9 more transcripts); c.2694del, p.Val899fs (NM_001407581.1, NM_001407582.1, NM_001407583.1 and 30 more transcripts); c.2691del, p.Val898fs (NM_001407587.1, NM_001407590.1, NM_001407591.1 and 22 more transcripts); c.2685del, p.Val896fs (NM_001407646.1, NM_001407647.1); c.2571del, p.Val858fs (NM_001407648.1, NM_001407664.1, NM_001407665.1 and 19 more transcripts); c.2568del, p.Val857fs (NM_001407649.1, NM_001407670.1, NM_001407671.1 and 11 more transcripts); and 44 more; short protein forms V852fs, V899fs, V772fs, V811fs, V851fs, V873fs, V898fs, V731fs.
Identifiers: ClinVar variation 266294 (VCV000266294.12), dbSNP rs80357549, ClinGen allele CA10589822.

ClinVar aggregate classification (germline): Pathogenic. Review status: reviewed by expert panel (3 of 4 stars). 5 submissions from 5 submitters: Pathogenic (1). 4 of the submissions do not count toward it. Last evaluated 2016-10-18.

Conditions:
Hereditary cancer-predisposing syndrome. Also called: Hereditary Cancer Syndrome; Neoplastic Syndromes, Hereditary; Hereditary neoplastic syndrome; Tumor predisposition. Identifiers: Orphanet 140162, MedGen C0027672, MeSH D009386, MONDO:0015356.
Hereditary breast ovarian cancer syndrome. Also called: Hereditary breast and ovarian cancer syndrome (HBOC); Breast and ovarian cancer; Hereditary breast and ovarian cancer syndrome; Hereditary breast and ovarian cancer; BRCA1- and BRCA2-Associated Hereditary Breast and Ovarian Cancer; Hereditary breast and/or ovarian cancer syndrome. Identifiers: Orphanet 145, MedGen C0677776, MeSH D061325, MONDO:0003582. Disease mechanism: loss of function.
Breast-ovarian cancer, familial, susceptibility to, 1 (BROVCA1). Also called: BRCA1 Hereditary Breast and Ovarian Cancer; OVARIAN CANCER, SUSCEPTIBILITY TO. Identifiers: Orphanet 145, MedGen C2676676, MONDO:0011450, OMIM 604370. Disease mechanism: loss of function.

Submissions (5):

Evidence-based Network for the Interpretation of Germline Mutant Alleles (ENIGMA)
Classification: Pathogenic for Breast-ovarian cancer, familial, susceptibility to, 1. Last evaluated: 2016-10-18. Review status: reviewed by expert panel. Criteria: ENIGMA BRCA1/2 Classification Criteria (2015). Collection method: curation. Allele origin: germline.
Comment: Variant allele predicted to encode a truncated non-functional protein.

Department of Clinical Genetics, Copenhagen University Hospital, Rigshospitalet
Classification: Pathogenic for Breast-ovarian cancer, familial, susceptibility to, 1. Last evaluated: 2024-05-27. Review status: criteria provided, single submitter. Criteria: ACMG Guidelines, 2015. Collection method: clinical testing. Allele origin: germline. Affected: yes. Not counted in ClinVar's aggregate classification.
Comment: PVS1; PM2_supporting; PM5_PTC_Strong

Ambry Genetics
Classification: Pathogenic for Hereditary cancer-predisposing syndrome. Last evaluated: 2019-10-23. Review status: criteria provided, single submitter. Criteria: Ambry Variant Classification Scheme 2023. Collection method: clinical testing. Allele origin: germline. Not counted in ClinVar's aggregate classification.
Comment: The c.2694delA pathogenic mutation, located in coding exon 9 of the BRCA1 gene, results from a deletion of one nucleotide at nucleotide position 2694, causing a translational frameshift with a predicted alternate stop codon (p.V899Sfs*101). This alteration is expected to result in loss of function by premature protein truncation or nonsense-mediated mRNA decay. As such, this alteration is interpreted as a disease-causing mutation.

Women's Health and Genetics/Laboratory Corporation of America, LabCorp
Classification: Pathogenic for Hereditary breast and ovarian cancer syndrome. Last evaluated: 2019-08-30. Review status: criteria provided, single submitter. Criteria: LabCorp Variant Classification Summary - May 2015. Collection method: clinical testing. Allele origin: germline. Not counted in ClinVar's aggregate classification.
Comment: Variant summary: BRCA1 c.2694delA (p.Val899SerfsX101) results in a premature termination codon, predicted to cause a truncation of the encoded protein or absence of the protein due to nonsense mediated decay, which are commonly known mechanisms for disease. Truncations downstream of this position have been classified as pathogenic by our laboratory (eg. c.2719_2722delGAAG (p.Glu907LysfsX92), c.2766delA (p.Val923fsX77)). The variant was absent in 250908 control chromosomes (gnomAD). c.2694delA has been reported in the literature in individuals affected with ovarian cancer (Alsop_2012). To our knowledge, no experimental evidence demonstrating an impact on protein function has been reported. Two submitters including one expert panel (ENIGMA) have provided clinical-significance assessments for this variant to ClinVar after 2014 without evidence for independent evaluation and classified the variant as pathogenic. Based on the evidence outlined above, the variant was classified as pathogenic.

Consortium of Investigators of Modifiers of BRCA1/2 (CIMBA), c/o University of Cambridge
Classification: Pathogenic for Breast-ovarian cancer, familial, susceptibility to, 1. Last evaluated: 2015-10-02. Review status: criteria provided, single submitter. Criteria: CIMBA Mutation Classification guidelines May 2016. Collection method: clinical testing. Allele origin: germline. Not counted in ClinVar's aggregate classification.

Literature cited by the submitters: PubMed 22711857 (cited by Women's Health and Genetics/Laboratory Corporation of America, LabCorp).